The following is an entry in ClinVar:

ClinVar aggregate classification (germline): Benign. Review status: criteria provided, multiple submitters, no conflicts (2 of 4 stars). 2 submissions from 2 submitters: Benign (2). Last evaluated 2026-01-26.

Conditions:
Diabetes insipidus, nephrogenic, X-linked. Also called: Nephrogenic Diabetes Insipidus, Type I. Identifiers: Orphanet 223, MedGen C1563705, MONDO:0010581, OMIM 304800.

Allele frequency attached by ClinVar (database versions not stated): gnomAD 0.00017 and 0.00032; ESP Exome Variant Server 0.00019; TOPMed 0.00026; gnomAD exomes 0.00079 and 0.00093; ExAC 0.00097; 1000 Genomes Project 30x 0.00125; 1000 Genomes Project 0.00132.

Submissions (2):

Labcorp Genetics (formerly Invitae), Labcorp
Classification: Benign. Last evaluated: 2026-01-26. Review status: criteria provided, single submitter. Criteria: Invitae Variant Classification Sherloc (09022015). Collection method: clinical testing. Allele origin: germline.

Illumina Laboratory Services, Illumina
Classification: Benign for Diabetes insipidus, nephrogenic, X-linked. Last evaluated: 2018-01-13. Review status: criteria provided, single submitter. Criteria: ICSL Variant Classification Criteria 13 December 2019. Collection method: clinical testing. Allele origin: germline.
Comment: This variant was observed in the ICSL laboratory as part of a predisposition screen in an ostensibly healthy population. It had not been previously curated by ICSL or reported in the Human Gene Mutation Database (HGMD: prior to June 1st, 2018), and was therefore a candidate for classification through an automated scoring system. Utilizing variant allele frequency, disease prevalence and penetrance estimates, and inheritance mode, an automated score was calculated to assess if this variant is too frequent to cause the disease. Based on the score and internal cut-off values, a variant classified as benign is not then subjected to further curation. The score for this variant resulted in a classification of benign for this disease.

NM_000054.7(AVPR2):c.317G>A (p.Arg106His)

Gene: AVPR2 (arginine vasopressin receptor 2; plus strand). Cytogenetic location: Xq28.
Variant type: single nucleotide variant.
Coding change: c.317G>A on transcript NM_000054.7 (MANE Select); coding-DNA position 317, G replaced by A.
Protein change: p.Arg106His; replaces arginine 106 with histidine.
Molecular consequence: missense variant.
Genome position (GRCh38, 1-based): chrX:153,905,823, G>A. VCF-style: chrX-153905823-G-A. GRCh37 (hg19) VCF-style: chrX-153171277-G-A.
Other names: c.317G>A, p.Arg106His (NM_001146151.3); short protein forms R106H.
Identifiers: ClinVar variation 913724 (VCV000913724.7), dbSNP rs201053959, ClinGen allele CA10554989.